The following is an entry in ClinVar:

NM_016239.4(MYO15A):c.4519C>T (p.Arg1507Ter)

Gene: MYO15A (myosin XVA; plus strand). Cytogenetic location: 17p11.2.
Variant type: single nucleotide variant.
Coding change: c.4519C>T on transcript NM_016239.4 (MANE Select); coding-DNA position 4519, C replaced by T.
Protein change: p.Arg1507Ter; replaces arginine 1507 with a stop codon.
Molecular consequence: nonsense.
Genome position (GRCh38, 1-based): chr17:18,135,747, C>T. VCF-style: chr17-18135747-C-T. GRCh37 (hg19) VCF-style: chr17-18039061-C-T.
Other names: short protein forms R1507*.
Identifiers: ClinVar variation 421664 (VCV000421664.20), dbSNP rs549138385, ClinGen allele CA8423922.
Genomic context (GRCh38, chr17:18,135,747, plus strand): 5'-CATTCCTGTTGGTATTTTGCATAGACGGATGCACAGGAGGTGGCCTCAGTGGTGAGTGCC[C>T]GAGAGATCCAGGCCGTGGCAGAGCTGCTGCAGATCTCCCCTGAGGGCCTGCAGAAGGCCA-3'

ClinVar aggregate classification (germline): Pathogenic. Review status: criteria provided, multiple submitters, no conflicts (2 of 4 stars). 10 submissions from 10 submitters: Pathogenic (10). Last evaluated 2026-07-14.

Conditions:
MYO15A-related disorder. Also called: MYO15A-related condition.
Autosomal recessive nonsyndromic hearing loss 3. Also called: NEUROSENSORY NONSYNDROMIC RECESSIVE DEAFNESS 3. Identifiers: Orphanet 90636, MedGen C1838263, MONDO:0010860, OMIM 600316.

Allele frequency attached by ClinVar (database versions not stated): TOPMed 0.00002.
gnomAD v4.1: 22 of 1,613,998 alleles (0.0014%); highest among the groups gnomAD compares: Non-Finnish European, 0.0018%; no homozygotes.

Submissions (10):

PreventionGenetics, part of Exact Sciences
Classification: Pathogenic for MYO15A-related condition. Last evaluated: 2026-07-14. Review status: criteria provided, single submitter. Criteria: ACMG Guidelines, 2015. Collection method: clinical testing. Allele origin: germline.
Comment: The MYO15A c.4519C>T variant is predicted to result in premature protein termination (p.Arg1507*). This variant was reported in the compound heterozygous state in two individuals with non-syndromic hearing loss (Fu et al. 2022. PubMed ID: 35346193; Table S5, Wu et al. 2022. PubMed ID: 35982127). This variant is reported in 0.0016% of alleles in individuals of European (Non-Finnish) descent in gnomAD. Nonsense variants in MYO15A are expected to be pathogenic. This variant is interpreted as pathogenic.

GeneDx
Classification: Pathogenic. Last evaluated: 2025-12-03. Review status: criteria provided, single submitter. Criteria: GeneDx Variant Classification Process June 2021. Collection method: clinical testing. Allele origin: germline. Affected: yes.
Comment: Nonsense variant predicted to result in protein truncation or nonsense mediated decay in a gene for which loss-of-function is a known mechanism of disease; Not observed at significant frequency in large population cohorts (gnomAD); This variant is associated with the following publications: (PMID: 35346193, 32987461, 32623615, 31589614, 34388253, 35982127, 39161163, 38056549, 40268851, 35440622)

First Genomix Gene Laboratory, Genetic Diagnostics Department
Classification: Pathogenic for Autosomal recessive nonsyndromic hearing loss 3. Last evaluated: 2025-06-02. Review status: criteria provided, single submitter. Criteria: ACMG Guidelines, 2015. Collection method: clinical testing. Allele origin: germline. Inheritance: Autosomal recessive inheritance. Affected: no. Observed: 1 variant allele.

Labcorp Genetics (formerly Invitae), Labcorp
Classification: Pathogenic. Last evaluated: 2024-04-08. Review status: criteria provided, single submitter. Criteria: Invitae Variant Classification Sherloc (09022015). Collection method: clinical testing. Allele origin: germline.
Comment: This sequence change creates a premature translational stop signal (p.Arg1507*) in the MYO15A gene. It is expected to result in an absent or disrupted protein product. Loss-of-function variants in MYO15A are known to be pathogenic (PMID: 17546645). This variant is present in population databases (rs549138385, gnomAD 0.002%). This premature translational stop signal has been observed in individual(s) with autosomal recessive deafness (PMID: 32623615). ClinVar contains an entry for this variant (Variation ID: 421664). Algorithms developed to predict the effect of sequence changes on RNA splicing suggest that this variant may disrupt the consensus splice site. For these reasons, this variant has been classified as Pathogenic.

Genomic Medicine Center of Excellence, King Faisal Specialist Hospital and Research Centre
Classification: Pathogenic for Autosomal recessive nonsyndromic hearing loss 3. Last evaluated: 2024-03-25. Review status: criteria provided, single submitter. Criteria: ACMG Guidelines, 2015. Collection method: research. Allele origin: germline.

Wonkam Laboratory, Johns Hopkins University
Classification: Pathogenic for Autosomal recessive nonsyndromic hearing loss 3. Last evaluated: 2024-01-06. Review status: criteria provided, single submitter. Criteria: ACMG Guidelines, 2015. Collection method: research. Allele origin: germline. Inheritance: Autosomal recessive inheritance. Affected: yes. Observed: 2 variant alleles.
Comment: This variant MYO15A c.4519C>T (NM_016239.3) IS A null variant, in a gene where LOF is a known mechanism of disease(PVS1), the variant is absent from controls (or at extremely low frequency if recessive) in Exome Sequencing Project, 1000 Genomes Project, or Exome Aggregation Consortium (PM2), multiple lines of computational evidence support a deleterious effect on the gene or gene product (conservation, evolutionary, splicing impact, etc.) (PP3), reputable source recently reports variant as pathogenic, but the evidence is not available to the laboratory to perform an independent evaluation (PP5)

Blueprint Genetics
Classification: Pathogenic for MYO15A-related disorders. Last evaluated: 2023-09-08. Review status: criteria provided, single submitter. Criteria: ACMG Guidelines, 2015. Collection method: clinical testing. Allele origin: germline. Affected: yes. Observed: 4 variant alleles.

Women's Health and Genetics/Laboratory Corporation of America, LabCorp
Classification: Pathogenic for Autosomal recessive nonsyndromic hearing loss 3. Last evaluated: 2022-04-21. Review status: criteria provided, single submitter. Criteria: LabCorp Variant Classification Summary - May 2015. Collection method: clinical testing. Allele origin: germline.
Comment: Variant summary: MYO15A c.4519C>T (p.Arg1507X) results in a premature termination codon, predicted to cause a truncation of the encoded protein or absence of the protein due to nonsense mediated decay, which are commonly known mechanisms for disease. The variant allele was found at a frequency of 4e-06 in 249208 control chromosomes (gnomAD). c.4519C>T has been reported in the literature to segregate with disease in a family affected with Autosomal Recessive Nonsyndromic Hearing Loss (Sarmadi_2020). These data indicate that the variant is likely to be associated with disease. To our knowledge, no experimental evidence demonstrating an impact on protein function has been reported. Two ClinVar submitters (evaluation after 2014) cite the variant as pathogenic. Based on the evidence outlined above, the variant was classified as pathogenic.

Revvity Omics, Revvity
Classification: Pathogenic for Autosomal recessive nonsyndromic hearing loss 3. Last evaluated: 2021-03-04. Review status: criteria provided, single submitter. Criteria: ACMG Guidelines, 2015. Collection method: clinical testing. Allele origin: germline.

Juno Genomics, Hangzhou Juno Genomics, Inc
Classification: Pathogenic for Autosomal recessive nonsyndromic hearing loss 3. Review status: criteria provided, single submitter. Criteria: ACMG Guidelines, 2015. Collection method: clinical testing. Allele origin: germline. Affected: yes.
Comment: Absent from controls (or at extremely low frequency if recessive) in Genome Aggregation Database.;Null variant in a gene where loss of function (LOF) is a known mechanism of disease.;For recessive disorders, detected in trans with a pathogenic variant.

Literature cited by the submitters: PubMed 17546645 (cited by Labcorp Genetics (formerly Invitae), Labcorp); PubMed 32623615 (cited by Labcorp Genetics (formerly Invitae), Labcorp and Women's Health and Genetics/Laboratory Corporation of America, LabCorp).